The following is an entry in ClinVar:

ClinVar aggregate classification (germline): Uncertain significance. Review status: criteria provided, multiple submitters, no conflicts (2 of 4 stars). 2 submissions from 2 submitters: Uncertain significance (2). Last evaluated 2024-09-24.

Conditions:
Hereditary cancer-predisposing syndrome. Also called: Neoplastic Syndromes, Hereditary; Hereditary neoplastic syndrome; Tumor predisposition; Hereditary Cancer Syndrome. Identifiers: Orphanet 140162, MedGen C0027672, MeSH D009386, MONDO:0015356.
Oligodontia-cancer predisposition syndrome. Also called: TOOTH AGENESIS-COLORECTAL CANCER SYNDROME. Identifiers: Orphanet 300576, MedGen C1837750, MONDO:0012075, OMIM 608615. Disease mechanism: loss of function.

Allele frequency attached by ClinVar (database versions not stated): gnomAD exomes below 0.00001.
gnomAD v4.1: 1 of 1,614,246 alleles (0.000062%); no homozygotes.

Submissions (2):

Ambry Genetics
Classification: Uncertain significance for Hereditary cancer-predisposing syndrome. Last evaluated: 2024-09-24. Review status: criteria provided, single submitter. Criteria: Ambry Variant Classification Scheme 2023. Collection method: clinical testing. Allele origin: germline.
Comment: The p.E825K variant (also known as c.2473G>A), located in coding exon 10 of the AXIN2 gene, results from a G to A substitution at nucleotide position 2473. The glutamic acid at codon 825 is replaced by lysine, an amino acid with similar properties. This amino acid position is conserved. In addition, this alteration is predicted to be tolerated by in silico analysis. Based on the available evidence, the clinical significance of this variant remains unclear.

Labcorp Genetics (formerly Invitae), Labcorp
Classification: Uncertain significance for Oligodontia-cancer predisposition syndrome. Last evaluated: 2022-07-04. Review status: criteria provided, single submitter. Criteria: Invitae Variant Classification Sherloc (09022015). Collection method: clinical testing. Allele origin: germline.
Comment: In summary, the available evidence is currently insufficient to determine the role of this variant in disease. Therefore, it has been classified as a Variant of Uncertain Significance. Algorithms developed to predict the effect of missense changes on protein structure and function (SIFT, PolyPhen-2, Align-GVGD) all suggest that this variant is likely to be tolerated. ClinVar contains an entry for this variant (Variation ID: 1391782). This variant has not been reported in the literature in individuals affected with AXIN2-related conditions. This variant is not present in population databases (gnomAD no frequency). This sequence change replaces glutamic acid, which is acidic and polar, with lysine, which is basic and polar, at codon 825 of the AXIN2 protein (p.Glu825Lys).

NM_004655.4(AXIN2):c.2473G>A (p.Glu825Lys)

Gene: AXIN2 (axin 2; minus strand). Cytogenetic location: 17q24.1.
Variant type: single nucleotide variant.
Coding change: c.2473G>A on transcript NM_004655.4 (MANE Select); coding-DNA position 2473, G replaced by A.
Protein change: p.Glu825Lys; replaces glutamic acid 825 with lysine.
Molecular consequence: missense variant.
Genome position (GRCh38, 1-based): chr17:65,530,035, C>T on the plus strand (G>A on the coding strand, the complement: AXIN2 is on the minus strand). VCF-style: chr17-65530035-C-T. GRCh37 (hg19) VCF-style: chr17-63526153-C-T.
Other names: c.2278G>A, p.Glu760Lys (NM_001363813.1); c.2473G>A (NM_004655.3); short protein forms E760K, E825K.
Identifiers: ClinVar variation 1391782 (VCV001391782.7), dbSNP rs2043790585, ClinGen allele CA400674831.